The following is an entry in ClinVar:

ClinVar aggregate classification (germline): Uncertain significance (1 of 4 stars; one submission).

Conditions:
Neutropenia, severe congenital, 2, autosomal dominant. Identifiers: Orphanet 486, MedGen C2751288, MONDO:0013139, OMIM 613107.

Allele frequency attached by ClinVar (database versions not stated): TOPMed 0.00001.
gnomAD v4.1: 3 of 1,593,616 alleles (0.00019%); highest among the groups gnomAD compares: Non-Finnish European, 0.00017%; no homozygotes.

Submission:

Labcorp Genetics (formerly Invitae), Labcorp
Classification: Uncertain significance for Neutropenia, severe congenital, 2, autosomal dominant. Last evaluated: 2024-03-20. Review status: criteria provided, single submitter. Criteria: Invitae Variant Classification Sherloc (09022015). Collection method: clinical testing. Allele origin: germline.
Comment: This sequence change replaces leucine, which is neutral and non-polar, with glutamine, which is neutral and polar, at codon 244 of the GFI1 protein (p.Leu244Gln). This variant is not present in population databases (gnomAD no frequency). This variant has not been reported in the literature in individuals affected with GFI1-related conditions. Advanced modeling of protein sequence and biophysical properties (such as structural, functional, and spatial information, amino acid conservation, physicochemical variation, residue mobility, and thermodynamic stability) performed at Invitae indicates that this missense variant is not expected to disrupt GFI1 protein function with a negative predictive value of 80%. In summary, the available evidence is currently insufficient to determine the role of this variant in disease. Therefore, it has been classified as a Variant of Uncertain Significance.

NM_005263.5(GFI1):c.731T>A (p.Leu244Gln)

Gene: GFI1 (growth factor independent 1 transcriptional repressor; minus strand). Cytogenetic location: 1p22.1.
Variant type: single nucleotide variant.
Coding change: c.731T>A on transcript NM_005263.5 (MANE Select); coding-DNA position 731, T replaced by A.
Protein change: p.Leu244Gln; replaces leucine 244 with glutamine.
Molecular consequence: missense variant.
Genome position (GRCh38, 1-based): chr1:92,480,656, A>T on the plus strand (T>A on the coding strand, the complement: GFI1 is on the minus strand). VCF-style: chr1-92480656-A-T. GRCh37 (hg19) VCF-style: chr1-92946213-A-T.
Other names: c.731T>A, p.Leu244Gln (NM_001127215.3, NM_001127216.3); short protein forms L244Q.
Identifiers: ClinVar variation 2715179 (VCV002715179.3), dbSNP rs1350210675, ClinGen allele CA341149116.